The following is an entry in ClinVar:

ClinVar aggregate classification (germline): Uncertain significance (1 of 4 stars; one submission).

Conditions:
Tuberous sclerosis syndrome (TSC). Also called: Tuberous Sclerosis Complex; Tuberous sclerosis. Identifiers: Orphanet 805, MedGen C0041341, MONDO:0001734.

Submission:

All of Us Research Program, National Institutes of Health
Classification: Uncertain significance for Tuberous sclerosis syndrome. Last evaluated: 2023-11-02. Review status: criteria provided, single submitter. Criteria: ACMG Guidelines, 2015. Collection method: clinical testing. Allele origin: germline. Inheritance: Autosomal dominant inheritance. Observed: 1 variant allele, 1 heterozygote.
Comment: This missense variant replaces leucine with phenylalanine at codon 45 of the TSC1 protein. Computational prediction suggests that this variant may have deleterious impact on protein structure and function (internally defined REVEL score threshold >= 0.7, PMID: 27666373). To our knowledge, functional studies have not been reported for this variant. This variant has not been reported in individuals affected with TSC1-related disorders in the literature. This variant has not been identified in the general population by the Genome Aggregation Database (gnomAD). The available evidence is insufficient to determine the role of this variant in disease conclusively. Therefore, this variant is classified as a Variant of Uncertain Significance.

This study involves interpretation of variants in research participants for the purpose of population health screening. Participant phenotype was not available at the time of variant classification. Additional details can be found in publication PMID: 35346344, PMCID: PMC8962531

NM_000368.5(TSC1):c.135G>T (p.Leu45Phe)

Gene: TSC1 (TSC complex subunit 1; minus strand). Cytogenetic location: 9q34.13.
Variant type: single nucleotide variant.
Coding change: c.135G>T on transcript NM_000368.5 (MANE Select); coding-DNA position 135, G replaced by T.
Protein change: p.Leu45Phe; replaces leucine 45 with phenylalanine.
Molecular consequence: missense variant. On other transcripts: 5 prime UTR variant (9), non-coding transcript variant (4), intron variant (9).
Genome position (GRCh38, 1-based): chr9:132,927,276, C>A on the plus strand (G>T on the coding strand, the complement: TSC1 is on the minus strand). VCF-style: chr9-132927276-C-A. GRCh37 (hg19) VCF-style: chr9-135802663-C-A.
Other names: c.135G>T, p.Leu45Phe (NM_001162426.2, NM_001162427.2, NM_001406592.1 and 21 more transcripts); c.-885G>T (NM_001406629.1); c.-959G>T (NM_001406630.1); c.-153-1537G>T (NM_001406620.1, NM_001406618.1); c.-154+1491G>T (NM_001406625.1, NM_001406621.1, NM_001406617.1 and 3 more transcripts); c.-246+1491G>T (NM_001406614.1); c.-354G>T (NM_001406615.1, NM_001406623.1); c.-321G>T (NM_001406616.1, NM_001406624.1); and 1 more; short protein forms L45F.
Identifiers: ClinVar variation 3074365 (VCV003074365.1), dbSNP rs149278759, ClinGen allele CA375375183.